The following is an entry in ClinVar:

NM_178554.6(KY):c.1718G>T (p.Gly573Val)

Genes: CEP63 (centrosomal protein 63; plus strand), KY (kyphoscoliosis peptidase; minus strand). Cytogenetic location: 3q22.2.
Variant type: single nucleotide variant.
Coding change: c.1718G>T on transcript NM_178554.6 (MANE Select); coding-DNA position 1718, G replaced by T.
Protein change: p.Gly573Val; replaces glycine 573 with valine.
Molecular consequence: missense variant.
Genome position (GRCh38, 1-based): chr3:134,603,847, C>A on the plus strand (G>T on the coding strand, the complement: KY is on the minus strand). VCF-style: chr3-134603847-C-A. GRCh37 (hg19) VCF-style: chr3-134322689-C-A.
Other names: c.1670G>T, p.Gly557Val (NM_001350859.2); c.1655G>T, p.Gly552Val (NM_001366276.1); short protein forms G552V, G557V, G573V.
Identifiers: ClinVar variation 3341699 (VCV003341699.16).

ClinVar aggregate classification (germline): Uncertain significance (1 of 4 stars; one submission).

Submission:

CeGaT Center for Human Genetics Tuebingen
Classification: Uncertain significance. Last evaluated: 2024-08-01. Review status: criteria provided, single submitter. Criteria: CeGaT Center For Human Genetics Tuebingen Variant Classification Criteria Version 2. Collection method: clinical testing. Allele origin: germline. Affected: yes. Observed: 1 variant allele.
Comment: KY: PM2